The following is an entry in ClinVar:

ClinVar aggregate classification (germline): Uncertain significance. Review status: criteria provided, multiple submitters, no conflicts (2 of 4 stars). 3 submissions from 3 submitters: Uncertain significance (2). 1 of the submissions does not count toward it. Last evaluated 2025-02-05.

Conditions:
Inborn genetic diseases. Identifiers: MedGen C0950123, MeSH D030342.
GNPTG-mucolipidosis. Also called: ML III GAMMA; ML IIIC; MUCOLIPIDOSIS III, COMPLEMENTATION GROUP C; MUCOLIPIDOSIS III, IRANIAN VARIANT FORM; MUCOLIPIDOSIS III, VARIANT FORM; Mucolipidosis type III gamma. Identifiers: Orphanet 423470, Orphanet 577, MedGen C1854896, MONDO:0009652, OMIM 252605.

Allele frequency attached by ClinVar (database versions not stated): gnomAD exomes below 0.00001; gnomAD 0.00003; TOPMed 0.00003.

Submissions (3):

Ambry Genetics
Classification: Uncertain significance for Inborn genetic diseases. Last evaluated: 2025-02-05. Review status: criteria provided, single submitter. Criteria: Ambry Variant Classification Scheme 2023. Collection method: clinical testing. Allele origin: germline.

Labcorp Genetics (formerly Invitae), Labcorp
Classification: Uncertain significance. Last evaluated: 2022-06-27. Review status: criteria provided, single submitter. Criteria: Invitae Variant Classification Sherloc (09022015). Collection method: clinical testing. Allele origin: germline.
Comment: This sequence change replaces serine, which is neutral and polar, with threonine, which is neutral and polar, at codon 56 of the GNPTG protein (p.Ser56Thr). This variant is not present in population databases (gnomAD no frequency). This variant has not been reported in the literature in individuals affected with GNPTG-related conditions. ClinVar contains an entry for this variant (Variation ID: 841916). Algorithms developed to predict the effect of missense changes on protein structure and function are either unavailable or do not agree on the potential impact of this missense change (SIFT: "Tolerated"; PolyPhen-2: "Possibly Damaging"; Align-GVGD: "Class C0"). In summary, the available evidence is currently insufficient to determine the role of this variant in disease. Therefore, it has been classified as a Variant of Uncertain Significance.

Natera, Inc.
Classification: Uncertain significance for Mucolipidosis III gamma. Last evaluated: 2021-08-02. Review status: no assertion criteria provided. Collection method: clinical testing. Allele origin: germline. Not counted in ClinVar's aggregate classification.

NM_032520.5(GNPTG):c.166T>A (p.Ser56Thr)

Gene: GNPTG (N-acetylglucosamine-1-phosphate transferase subunit gamma; plus strand). Cytogenetic location: 16p13.3.
Variant type: single nucleotide variant.
Coding change: c.166T>A on transcript NM_032520.5 (MANE Select); coding-DNA position 166, T replaced by A.
Protein change: p.Ser56Thr; replaces serine 56 with threonine.
Molecular consequence: missense variant.
Genome position (GRCh38, 1-based): chr16:1,352,294, T>A. VCF-style: chr16-1352294-T-A. GRCh37 (hg19) VCF-style: chr16-1402295-T-A.
Other names: short protein forms S56T.
Identifiers: ClinVar variation 841916 (VCV000841916.9), dbSNP rs889922749, ClinGen allele CA276643006.